The following is an entry in ClinVar:

ClinVar aggregate classification (germline): Uncertain significance (1 of 4 stars; one submission).

gnomAD v4.1: 7 of 699,210 alleles (0.001%); highest among the groups gnomAD compares: Non-Finnish European, 0.0016%; no homozygotes.

Submission:

Labcorp Genetics (formerly Invitae), Labcorp
Classification: Uncertain significance. Last evaluated: 2026-01-21. Review status: criteria provided, single submitter. Criteria: Invitae Variant Classification Sherloc (09022015). Collection method: clinical testing. Allele origin: germline.
Comment: This variant occurs in the RNU4ATAC gene, which encodes an RNA molecule that does not result in a protein product. This variant is present in population databases (no rsID available, gnomAD 0.005%). This variant has not been reported in the literature in individuals affected with RNU4ATAC-related conditions. ClinVar contains an entry for this variant (Variation ID: 1943391). Experimental studies and prediction algorithms are not available or were not evaluated, and the functional significance of this variant is currently unknown. This variant is located within the 5' stem-loop region of the RNU4ATAC RNA, which includes the 15.5K binding site and is important for spliceosome assembly (PMID: 32628740). A significant number of disease-associated RNU4ATAC variants are found in this region (PMID: 32628740, 30368667). In summary, the available evidence is currently insufficient to determine the role of this variant in disease. Therefore, it has been classified as a Variant of Uncertain Significance.

Literature cited by the submitters: PubMed 32628740; PubMed 30368667.

NC_000002.12:g.121530915T>C

Genes: CLASP1 (cytoplasmic linker associated protein 1; minus strand), CLASP1-AS1 (CLASP1 antisense RNA 1; plus strand), RNU4ATAC (RNA, U4atac small nuclear; plus strand). Cytogenetic location: 2q14.2.
Variant type: single nucleotide variant.
Molecular consequence: intron variant (on NM_001395891.1).
Genome position: GRCh38 VCF-style: chr2-121530915-T-C. GRCh37 (hg19) VCF-style: chr2-122288491-T-C.
Other names: c.196-590A>G (NM_001142274.2, NM_015282.3, NM_001378003.1 and 5 more transcripts).
Identifiers: ClinVar variation 1943391 (VCV001943391.4), dbSNP rs1048449886, ClinGen allele CA428887907.